The following is an entry in ClinVar:

ClinVar aggregate classification (germline): Pathogenic (1 of 4 stars; one submission).

Conditions:
X-linked distal spinal muscular atrophy type 3. Also called: NEURONOPATHY, DISTAL HEREDITARY MOTOR, X-LINKED; NEUROPATHY, DISTAL HEREDITARY MOTOR, X-LINKED; ATP7A-Related Distal Motor Neuropathy; SPINAL MUSCULAR ATROPHY, DISTAL, X-LINKED RECESSIVE. Identifiers: Orphanet 139557, MedGen C1845359, MONDO:0010338, OMIM 300489.
Menkes kinky-hair syndrome (MNK). Also called: Classic Menkes Disease; Copper transport disease; Menkes Disease. Identifiers: Orphanet 565, MedGen C0022716, MONDO:0010651, OMIM 309400.
Cutis laxa, X-linked (OHS). Also called: EDS IX; Occipital horn syndrome. Identifiers: Orphanet 198, MedGen C0268353, MONDO:0010572, OMIM 304150.

Submission:

Labcorp Genetics (formerly Invitae), Labcorp
Classification: Pathogenic for X-linked distal spinal muscular atrophy type 3; Cutis laxa, X-linked; Menkes kinky-hair syndrome. Last evaluated: 2022-05-22. Review status: criteria provided, single submitter. Criteria: Invitae Variant Classification Sherloc (09022015). Collection method: clinical testing. Allele origin: germline.
Comment: For these reasons, this variant has been classified as Pathogenic. A similar copy number variant has been observed in individuals with clinical features of ATP7A-related conditions (PMID: 21208200, 22074552). This variant results in a copy number gain of the genomic region encompassing exon(s) 8-12 of the ATP7A gene. While the exact position of this variant cannot be determined from the data, sub-genic copy number gains are generally in tandem (PMID: 25640679). This variant is predicted to be out-of-frame, and may result in an absent or disrupted protein product. Loss-of-function variants in ATP7A are known to be pathogenic (PMID: 11241493, 20652413).

Literature cited by the submitters: PubMed 21208200; PubMed 22074552; PubMed 25640679; PubMed 11241493; PubMed 20652413.

NC_000023.10:g.(?_77266653)_(77271398_?)dup

Gene: ATP7A (ATPase copper transporting alpha; plus strand). Cytogenetic location: Xq21.1.
Variant type: Duplication.
Identifiers: ClinVar variation 2422247 (VCV002422247.5).